The following is an entry in ClinVar:

NM_007254.4(PNKP):c.1412A>C (p.His471Pro)

Gene: PNKP (polynucleotide kinase 3'-phosphatase; minus strand). Cytogenetic location: 19q13.33.
Variant type: single nucleotide variant.
Coding change: c.1412A>C on transcript NM_007254.4 (MANE Select); coding-DNA position 1412, A replaced by C.
Protein change: p.His471Pro; replaces histidine 471 with proline.
Molecular consequence: missense variant.
Genome position (GRCh38, 1-based): chr19:49,861,485, T>G on the plus strand (A>C on the coding strand, the complement: PNKP is on the minus strand). VCF-style: chr19-49861485-T-G. GRCh37 (hg19) VCF-style: chr19-50364742-T-G.
Other names: short protein forms H471P.
Identifiers: ClinVar variation 589042 (VCV000589042.12), dbSNP rs142032281, ClinGen allele CA406932822.

ClinVar aggregate classification (germline): Uncertain significance. Review status: criteria provided, multiple submitters, no conflicts (2 of 4 stars). 2 submissions from 2 submitters: Uncertain significance (2). Last evaluated 2025-06-23.

Conditions:
Inborn genetic diseases. Identifiers: MedGen C0950123, MeSH D030342.
Developmental and epileptic encephalopathy, 12 (DEE12). Identifiers: MedGen C3150988, MONDO:0013389, OMIM 613722.

Submissions (2):

Labcorp Genetics (formerly Invitae), Labcorp
Classification: Uncertain significance for Developmental and epileptic encephalopathy, 12. Last evaluated: 2025-06-23. Review status: criteria provided, single submitter. Criteria: Invitae Variant Classification Sherloc (09022015). Collection method: clinical testing. Allele origin: germline.
Comment: This sequence change replaces histidine, which is basic and polar, with proline, which is neutral and non-polar, at codon 471 of the PNKP protein (p.His471Pro). This variant is not present in population databases (gnomAD no frequency). This variant has not been reported in the literature in individuals affected with PNKP-related conditions. ClinVar contains an entry for this variant (Variation ID: 589042). Invitae Evidence Modeling of protein sequence and biophysical properties (such as structural, functional, and spatial information, amino acid conservation, physicochemical variation, residue mobility, and thermodynamic stability) indicates that this missense variant is not expected to disrupt PNKP protein function with a negative predictive value of 80%. In summary, the available evidence is currently insufficient to determine the role of this variant in disease. Therefore, it has been classified as a Variant of Uncertain Significance.

Ambry Genetics
Classification: Uncertain significance for Inborn genetic diseases. Last evaluated: 2022-05-25. Review status: criteria provided, single submitter. Criteria: Ambry Variant Classification Scheme 2023. Collection method: clinical testing. Allele origin: germline.